The following is an entry in ClinVar:

GRCh38/hg38 17q21.31(chr17:43104122-43106533)x1

Gene: BRCA1 (BRCA1 DNA repair associated; minus strand). Cytogenetic location: 17q21.31.
Variant type: copy number loss.
Change: copy number 1 (one copy instead of two) of chr17:43,104,122-43,106,533 (2.4 kb, GRCh38 coordinates, 1-based), cytogenetic band 17q21.31.
Other names: NM_007294.4:c.(134+1_135-1)_(441+1_442-1)del; deletion of exons 4-6 (legacy exons 5-7); frameshift, p.(Lys45Asnfs*16) predicted.
Identifiers: ClinVar variation 5016489 (VCV005016489.1).

ClinVar aggregate classification (germline): Likely pathogenic (1 of 4 stars; one submission).

Conditions:
Breast-ovarian cancer, familial, susceptibility to, 1 (BROVCA1). Also called: OVARIAN CANCER, SUSCEPTIBILITY TO; BRCA1 Hereditary Breast and Ovarian Cancer. Identifiers: Orphanet 145, MedGen C2676676, MONDO:0011450, OMIM 604370. Disease mechanism: loss of function.

Submission:

Department of Laboratory Medicine, The Third Affiliated Hospital of Zhengzhou University
Classification: Likely pathogenic for Breast-ovarian cancer, familial, susceptibility to, 1. Last evaluated: 2026-09-24. Review status: criteria provided, single submitter. Criteria: ClinGen BRCA1 and BRCA2 Guidelines, 2024. Collection method: clinical testing. Allele origin: germline. Inheritance: Autosomal dominant inheritance. Affected: yes. Observed: 3 variant alleles, 3 heterozygotes. Clinical features observed: Ovarian carcinoma (HP:0025318).
Comment: PVS1 (307-bp coding deletion, frameshift, NMD predicted; the VCEP exon-specific table assigns PVS1 to each of exons 4-6). If PM5_PTC_Strong is applied to the resulting premature termination codon the classification becomes Pathogenic (12 points). Breakpoints not mapped. Classified with the ClinGen ENIGMA BRCA1/BRCA2 VCEP specifications v1.2 (2025). BRCA1 exon numbering per NM_007294.4 (MANE Select); legacy exon numbers in parentheses.